The following is an entry in ClinVar:

NM_000083.3(CLCN1):c.2437C>A (p.Pro813Thr)

Gene: CLCN1 (chloride voltage-gated channel 1; plus strand). Cytogenetic location: 7q34.
Variant type: single nucleotide variant.
Coding change: c.2437C>A on transcript NM_000083.3 (MANE Select); coding-DNA position 2437, C replaced by A.
Protein change: p.Pro813Thr; replaces proline 813 with threonine.
Molecular consequence: missense variant. On other transcripts: non-coding transcript variant (1).
Genome position (GRCh38, 1-based): chr7:143,350,405, C>A. VCF-style: chr7-143350405-C-A. GRCh37 (hg19) VCF-style: chr7-143047498-C-A.
Other names: short protein forms P813T.
Identifiers: ClinVar variation 659454 (VCV000659454.10), dbSNP rs139881658, ClinGen allele CA4537687.

ClinVar aggregate classification (germline): Uncertain significance. Review status: criteria provided, multiple submitters, no conflicts (2 of 4 stars). 3 submissions from 3 submitters: Uncertain significance (3). Last evaluated 2025-06-04.

Conditions:
Congenital myotonia, autosomal dominant form (THD). Also called: THOMSEN DISEASE; Myotonia congenita autosomal dominant. Identifiers: Orphanet 614, MedGen C2936781, MONDO:0008055, OMIM 160800.
Congenital myotonia, autosomal recessive form. Also called: BECKER DISEASE; Becker Generalized Myotonia; myotonia congenita, autosomal recessive. Identifiers: Orphanet 614, MedGen C0751360, MONDO:0009715, OMIM 255700.

Allele frequency attached by ClinVar (database versions not stated): TOPMed 0.00002; gnomAD 0.00003; ESP Exome Variant Server 0.00023.
gnomAD v4.1: 84 of 1,614,032 alleles (0.0052%); highest among the groups gnomAD compares: Non-Finnish European, 0.0063%; no homozygotes.

Submissions (3):

Labcorp Genetics (formerly Invitae), Labcorp
Classification: Uncertain significance for Congenital myotonia, autosomal recessive form; Congenital myotonia, autosomal dominant form. Last evaluated: 2025-06-04. Review status: criteria provided, single submitter. Criteria: Invitae Variant Classification Sherloc (09022015). Collection method: clinical testing. Allele origin: germline.
Comment: This sequence change replaces proline, which is neutral and non-polar, with threonine, which is neutral and polar, at codon 813 of the CLCN1 protein (p.Pro813Thr). This variant is present in population databases (rs139881658, gnomAD 0.01%). This missense change has been observed in individual(s) with myotonia congenita (PMID: 23113340). ClinVar contains an entry for this variant (Variation ID: 659454). Invitae Evidence Modeling of protein sequence and biophysical properties (such as structural, functional, and spatial information, amino acid conservation, physicochemical variation, residue mobility, and thermodynamic stability) has been performed for this missense variant. However, the output from this modeling did not meet the statistical confidence thresholds required to predict the impact of this variant on CLCN1 protein function. In summary, the available evidence is currently insufficient to determine the role of this variant in disease. Therefore, it has been classified as a Variant of Uncertain Significance.

Revvity Omics, Revvity
Classification: Uncertain significance. Last evaluated: 2025-03-11. Review status: criteria provided, single submitter. Criteria: ACMG Guidelines, 2015. Collection method: clinical testing. Allele origin: germline.

Women's Health and Genetics/Laboratory Corporation of America, LabCorp
Classification: Uncertain significance. Last evaluated: 2022-03-08. Review status: criteria provided, single submitter. Criteria: LabCorp Variant Classification Summary - May 2015. Collection method: clinical testing. Allele origin: germline.
Comment: Variant summary: CLCN1 c.2437C>A (p.Pro813Thr) results in a non-conservative amino acid change in the encoded protein sequence. Five of five in-silico tools predict a damaging effect of the variant on protein function. The variant allele was found at a frequency of 5.2e-05 in 251344 control chromosomes (gnomAD). c.2437C>A has been reported in the literature in an individual affected with congenital myotonia (sporadic form), however, this patient also carried two other (potentially) pathogenic variants (including a nonsense mutation in cis) which could explain the phenotype (Ivanova_2012). To our knowledge, no experimental evidence demonstrating an impact on protein function has been reported. One clinical diagnostic laboratory has submitted clinical-significance assessments for this variant to ClinVar after 2014, and classified the variant as uncertain significance. Based on the evidence outlined above, the variant was classified as uncertain significance.

Literature cited by the submitters: PubMed 23113340 (cited by Labcorp Genetics (formerly Invitae), Labcorp and Women's Health and Genetics/Laboratory Corporation of America, LabCorp).